The following is an entry in ClinVar:

NM_006929.5(SKIC2):c.1385_1386del (p.Glu462fs)

Gene: SKIC2 (SKI2 subunit of superkiller complex; plus strand). Cytogenetic location: 6p21.33.
Variant type: Deletion.
Coding change: c.1385_1386del on transcript NM_006929.5 (MANE Select); coding-DNA positions 1385 to 1386, 2 bases deleted (AG; older notation c.1385_1386delAG).
Protein change: p.Glu462fs; shifts the reading frame from glutamic acid 462.
Molecular consequence: frameshift variant.
Genome position (GRCh38, 1-based): chr6:31,963,073-31,963,074, AG deleted; deleting any 2 consecutive bases within chr6:31,963,072-31,963,074 gives the same sequence; the c. name uses the placement nearest the transcript's 3' end. VCF-style (leftmost placement, unchanged base first): chr6-31963071-TGA-T. GRCh37 (hg19) VCF-style: chr6-31930848-TGA-T.
Other names: short protein forms E462fs.
Identifiers: ClinVar variation 3678596 (VCV003678596.2).
Genomic context (GRCh38, chr6:31,963,071, plus strand): 5'-TATCATGCTACCTGACCACGTTTCTATCATCCTTCTGAGTGCCACCGTCCCCAACGCCCT[TGA>T]GTTTGCTGACTGGATTGGGTGAGACGTGTGTCCCGGGTTGCCTGGGTGAAGGGGGCTACA-3'

ClinVar aggregate classification (germline): Pathogenic (1 of 4 stars; one submission).

Submission:

Labcorp Genetics (formerly Invitae), Labcorp
Classification: Pathogenic. Last evaluated: 2024-02-01. Review status: criteria provided, single submitter. Criteria: Invitae Variant Classification Sherloc (09022015). Collection method: clinical testing. Allele origin: germline.
Comment: This sequence change creates a premature translational stop signal (p.Glu462Valfs*3) in the SKIV2L gene. It is expected to result in an absent or disrupted protein product. Loss-of-function variants in SKIV2L are known to be pathogenic (PMID: 22444670). This variant is not present in population databases (gnomAD no frequency). This variant has not been reported in the literature in individuals affected with SKIV2L-related conditions. Algorithms developed to predict the effect of sequence changes on RNA splicing suggest that this variant may disrupt the consensus splice site. For these reasons, this variant has been classified as Pathogenic.

Literature cited by the submitters: PubMed 22444670.